The following is an entry in ClinVar:

ClinVar aggregate classification (germline): Likely pathogenic (1 of 4 stars; one submission).

Conditions:
Fanconi anemia complementation group A (FANCA). Also called: FANCA-Related Fanconi Anemia; Fanconi anemia, group A. Identifiers: Orphanet 84, MedGen C3469521, MONDO:0009215, OMIM 227650.

Submission:

Knight Diagnostic Laboratories, Oregon Health and Sciences University
Classification: Likely pathogenic for Fanconi anemia complementation group A. Last evaluated: 2016-04-01. Review status: criteria provided, single submitter. Criteria: ACMG Guidelines, 2015. Collection method: clinical testing. Allele origin: germline. Affected: no. Study: CSER-NextGen.
Comment: The c.1627-?_2778+?del deletion in the FANCA gene is novel, however, similar sized deletions in the same genomic vicinity have been previously reported as pathogenic (deletion of exons 18-25: Moghrabi et al. 2009) (deletion of exons 21-29: Castella et al., 2011). Mutations in the coding region of FANCA account for approximately 60-70% of Fanconi Anemia Complementation Group A (FA-A) patients, and approximately 10% of pathogenic mutations are large, multi-exonic deletions (Castella et al., 2011). This deletion encompasses amino acids 543-926 in the FANCA protein, and removes a portion of the BRCA-interacting region (amino acids 740-1083) as well as three important phosphoserines (amino acids 849, 850 and 858) (Folias et al., 2002). In addition, this deletion also disrupts a known nuclear export sequence (amino acids 860-880), which would effectively abolish protein transport from the nucleus to the cytoplasm (Ferrer et al., 2005). Therefore, this novel 11-exon deletion is expected to severely truncate the FANCA protein and compromise its function. The collective evidence supports the classification of the c.1627-?_2778+?del as a recessive likely pathogenic variant for Fanconi Anemia, Complementation Group A.

Single allele

Gene: FANCA (FA complementation group A; minus strand). Cytogenetic location: 16q24.3.
Variant type: Deletion.
Identifiers: ClinVar variation 402242 (VCV000402242.1).